The following is an entry in ClinVar:

NM_019109.5(ALG1):c.209-2A>G

Gene: ALG1 (ALG1 chitobiosyldiphosphodolichol beta-mannosyltransferase; plus strand). Cytogenetic location: 16p13.3.
Variant type: single nucleotide variant.
Coding change: c.209-2A>G on transcript NM_019109.5 (MANE Select); the canonical splice acceptor site of the intron before coding-DNA position 209, A replaced by G.
Molecular consequence: splice acceptor variant.
Genome position (GRCh38, 1-based): chr16:5,072,949, A>G. VCF-style: chr16-5072949-A-G. GRCh37 (hg19) VCF-style: chr16-5122950-A-G.
Other names: c.-125-2A>G (NM_001330504.2).
Identifiers: ClinVar variation 1483354 (VCV001483354.10), dbSNP rs774618681, ClinGen allele CA7889726.

ClinVar aggregate classification (germline): Likely pathogenic. Review status: criteria provided, multiple submitters, no conflicts (2 of 4 stars). 2 submissions from 2 submitters: Likely pathogenic (2). Last evaluated 2024-05-11.

Conditions:
ALG1-congenital disorder of glycosylation. Also called: ALG1-CDG; CONGENITAL DISORDER OF GLYCOSYLATION, TYPE Ik; CDG Ik. Identifiers: Orphanet 79327, MedGen C2931005, MONDO:0012052, OMIM 608540.

Allele frequency attached by ClinVar (database versions not stated): gnomAD exomes below 0.00001; ExAC 0.00001.
gnomAD v4.1: 3 of 1,613,976 alleles (0.00019%); highest among the groups gnomAD compares: Admixed American, 0.0017%; no homozygotes.

Submissions (2):

Fulgent Genetics
Classification: Likely pathogenic for ALG1-congenital disorder of glycosylation. Last evaluated: 2024-05-11. Review status: criteria provided, single submitter. Criteria: ACMG Guidelines, 2015. Collection method: clinical testing. Allele origin: germline.

Labcorp Genetics (formerly Invitae), Labcorp
Classification: Likely pathogenic for ALG1-congenital disorder of glycosylation. Last evaluated: 2023-01-29. Review status: criteria provided, single submitter. Criteria: Invitae Variant Classification Sherloc (09022015). Collection method: clinical testing. Allele origin: germline.
Comment: This sequence change affects an acceptor splice site in intron 1 of the ALG1 gene. It is expected to disrupt RNA splicing. Variants that disrupt the donor or acceptor splice site typically lead to a loss of protein function (PMID: 16199547), and loss-of-function variants in ALG1 are known to be pathogenic (PMID: 20679665, 23806237). This variant is present in population databases (rs774618681, gnomAD 0.003%). This variant has not been reported in the literature in individuals affected with ALG1-related conditions. ClinVar contains an entry for this variant (Variation ID: 1483354). Algorithms developed to predict the effect of sequence changes on RNA splicing suggest that this variant may disrupt the consensus splice site. In summary, the currently available evidence indicates that the variant is pathogenic, but additional data are needed to prove that conclusively. Therefore, this variant has been classified as Likely Pathogenic.

Literature cited by the submitters: PubMed 16199547 (cited by Labcorp Genetics (formerly Invitae), Labcorp); PubMed 20679665 (cited by Labcorp Genetics (formerly Invitae), Labcorp); PubMed 23806237 (cited by Labcorp Genetics (formerly Invitae), Labcorp).